The following is an entry in ClinVar:

NM_005033.3(EXOSC9):c.1156+2T>A

Gene: EXOSC9 (exosome component 9; plus strand). Cytogenetic location: 4q27.
Variant type: single nucleotide variant.
Coding change: c.1156+2T>A on transcript NM_005033.3 (MANE Select); the canonical splice donor site of the intron after coding-DNA position 1156, T replaced by A.
Molecular consequence: splice donor variant.
Genome position (GRCh38, 1-based): chr4:121,814,049, T>A. VCF-style: chr4-121814049-T-A. GRCh37 (hg19) VCF-style: chr4-122735204-T-A.
Other names: c.1156+2T>A (NM_001034194.2).
Identifiers: ClinVar variation 1943099 (VCV001943099.6), dbSNP rs1377012763, ClinGen allele CA358046436.

ClinVar aggregate classification (germline): Likely pathogenic (1 of 4 stars; one submission).

Allele frequency attached by ClinVar (database versions not stated): gnomAD 0.00001; gnomAD exomes 0.00001; TOPMed 0.00002.

Submissions (2):

Labcorp Genetics (formerly Invitae), Labcorp
Classification: Likely pathogenic. Last evaluated: 2022-10-26. Review status: criteria provided, single submitter. Criteria: Invitae Variant Classification Sherloc (09022015). Collection method: clinical testing. Allele origin: germline.
Comment: In summary, the currently available evidence indicates that the variant is pathogenic, but additional data are needed to prove that conclusively. Therefore, this variant has been classified as Likely Pathogenic. Algorithms developed to predict the effect of sequence changes on RNA splicing suggest that this variant may disrupt the consensus splice site. This variant has not been reported in the literature in individuals affected with EXOSC9-related conditions. This variant is not present in population databases (gnomAD no frequency). This sequence change affects a donor splice site in intron 10 of the EXOSC9 gene. It is expected to disrupt RNA splicing. Variants that disrupt the donor or acceptor splice site typically lead to a loss of protein function (PMID: 16199547), and loss-of-function variants in EXOSC9 are known to be pathogenic (PMID: 29727687, 33040083).

Dr. Peter K. Rogan Lab, Western University
No classification provided (evidence only). Condition: Thymoma. Review status: no classification provided. Collection method: in vitro. Allele origin: not applicable. Functional consequence: retained intron. Not counted in ClinVar's aggregate classification.

Literature cited by the submitters: PubMed 16199547 (cited by Labcorp Genetics (formerly Invitae), Labcorp); PubMed 29727687 (cited by Labcorp Genetics (formerly Invitae), Labcorp); PubMed 33040083 (cited by Labcorp Genetics (formerly Invitae), Labcorp).